The following is an entry in ClinVar:

NM_005445.4(SMC3):c.1726T>C (p.Phe576Leu)

Gene: SMC3 (structural maintenance of chromosomes 3; plus strand). Cytogenetic location: 10q25.2.
Variant type: single nucleotide variant.
Coding change: c.1726T>C on transcript NM_005445.4 (MANE Select); coding-DNA position 1726, T replaced by C.
Protein change: p.Phe576Leu; replaces phenylalanine 576 with leucine.
Molecular consequence: missense variant.
Genome position (GRCh38, 1-based): chr10:110,591,046, T>C. VCF-style: chr10-110591046-T-C. GRCh37 (hg19) VCF-style: chr10-112350804-T-C.
Other names: short protein forms F576L.
Identifiers: ClinVar variation 4882540 (VCV004882540.2).
Genomic context (GRCh38, chr10:110,591,046, plus strand): 5'-TTTAGGTTATTTTATCACATTGTTGATTCAGATGAAGTCAGCACGAAGATTTTAATGGAG[T>C]TTAATAAAATGAATCTTCCTGGAGAGGTTACTTTTCTGCCTCTTAACAAGTTAGATGTCA-3'
Protein context (NP_005436.1, residues 566-586): DEVSTKILME[Phe576Leu]NKMNLPGEVT

ClinVar aggregate classification (germline): Uncertain significance (1 of 4 stars; one submission).

Conditions:
Cornelia de Lange syndrome 3 (CDLS3). Also called: SMC3-Related Cornelia de Lange Syndrome; CORNELIA DE LANGE SYNDROME 3 WITH OR WITHOUT MIDLINE BRAIN DEFECTS. Identifiers: Orphanet 199, MedGen C1853099, MONDO:0012555, OMIM 610759.

Submission:

Dasa
Classification: Uncertain significance for Cornelia de Lange syndrome 3. Last evaluated: 2025-06-28. Review status: criteria provided, single submitter. Criteria: DASA Assertion Criteria. Collection method: clinical testing. Allele origin: germline.
Comment: NM_005445.4(SMC3):c.1726T>C (p.Phe576Leu) is a missense variant that results in the substitution of phenylalanine with leucine. This variant is absent from population databases. The currently available literature and clinical evidence are not sufficient to establish a definitive association between this variant and the reported condition. Therefore, this variant is classified as a variant of uncertain significance.